The following is an entry in ClinVar:

NM_182961.4(SYNE1):c.24992T>C (p.Leu8331Pro)

Gene: SYNE1 (spectrin repeat containing nuclear envelope protein 1; minus strand). Cytogenetic location: 6q25.2.
Variant type: single nucleotide variant.
Coding change: c.24992T>C on transcript NM_182961.4 (MANE Select); coding-DNA position 24992, T replaced by C.
Protein change: p.Leu8331Pro; replaces leucine 8331 with proline.
Molecular consequence: missense variant.
Genome position (GRCh38, 1-based): chr6:152,143,750, A>G on the plus strand (T>C on the coding strand, the complement: SYNE1 is on the minus strand). VCF-style: chr6-152143750-A-G. GRCh37 (hg19) VCF-style: chr6-152464885-A-G.
Other names: c.1598T>C, p.Leu533Pro (NM_001347701.2); c.1526T>C, p.Leu509Pro (NM_001347702.2); c.24848T>C, p.Leu8283Pro (NM_033071.5); short protein forms L533P, L509P, L8283P, L8331P.
Identifiers: ClinVar variation 940764 (VCV000940764.9), dbSNP rs532387179, ClinGen allele CA366083327.

ClinVar aggregate classification (germline): Uncertain significance (1 of 4 stars; one submission).

Conditions:
Emery-Dreifuss muscular dystrophy 4, autosomal dominant (EDMD4). Also called: EMERY-DREIFUSS MUSCULAR DYSTROPHY 4 WITH VARIABLE FEATURES. Identifiers: Orphanet 261, MedGen C2751807, MONDO:0013071, OMIM 612998.
Autosomal recessive ataxia, Beauce type. Also called: Spinocerebellar ataxia, autosomal recessive 8; ATAXIA, RECESSIVE, OF BEAUCE; SYNE1-Related Autosomal Recessive Cerebellar Ataxia; SYNE1 Deficiency. Identifiers: Orphanet 88644, MedGen C1853116, MONDO:0012549, OMIM 610743.

gnomAD v4.1: 1 of 1,614,182 alleles (0.000062%); no homozygotes.

Submission:

Labcorp Genetics (formerly Invitae), Labcorp
Classification: Uncertain significance for Emery-Dreifuss muscular dystrophy 4, autosomal dominant; Autosomal recessive ataxia, Beauce type. Last evaluated: 2023-08-30. Review status: criteria provided, single submitter. Criteria: Invitae Variant Classification Sherloc (09022015). Collection method: clinical testing. Allele origin: germline.
Comment: This sequence change replaces leucine, which is neutral and non-polar, with proline, which is neutral and non-polar, at codon 8283 of the SYNE1 protein (p.Leu8283Pro). This variant is not present in population databases (gnomAD no frequency). This variant has not been reported in the literature in individuals affected with SYNE1-related conditions. ClinVar contains an entry for this variant (Variation ID: 940764). An algorithm developed to predict the effect of missense changes on protein structure and function (PolyPhen-2) suggests that this variant is likely to be disruptive. In summary, the available evidence is currently insufficient to determine the role of this variant in disease. Therefore, it has been classified as a Variant of Uncertain Significance.